The following is an entry in ClinVar:

NM_000435.3(NOTCH3):c.5817G>A (p.Gly1939=)

Gene: NOTCH3 (notch receptor 3; minus strand). Cytogenetic location: 19p13.12.
Variant type: single nucleotide variant.
Coding change: c.5817G>A on transcript NM_000435.3 (MANE Select); coding-DNA position 5817, G replaced by A.
Protein change: p.Gly1939=; no amino-acid change (glycine 1939 retained).
Molecular consequence: synonymous variant.
Genome position (GRCh38, 1-based): chr19:15,162,561, C>T on the plus strand (G>A on the coding strand, the complement: NOTCH3 is on the minus strand). VCF-style: chr19-15162561-C-T. GRCh37 (hg19) VCF-style: chr19-15273372-C-T.
Identifiers: ClinVar variation 2649431 (VCV002649431.26), dbSNP rs753160399, ClinGen allele CA9262516.
Genomic context (GRCh38, chr19:15,162,561, plus strand): 5'-GAGCAGGGCCAAAGTGGCTTCCACGTTGTTCACAGCCGCAGCCCAGTGTAAGGCTGATTT[C>T]CCTGGAGGATGAAGGGGAGAGAGGTCAGGACCAGGCACCTGTCCTGGGGCCCCCATGTCA-3'
Protein context (NP_000426.2, residues 1929-1949): HADVNAVDEL[Gly1939=]KSALHWAAAV

ClinVar aggregate classification (germline): Likely benign. Review status: criteria provided, multiple submitters, no conflicts (2 of 4 stars). 2 submissions from 2 submitters: Likely benign (2). Last evaluated 2024-02-20.

Allele frequency attached by ClinVar (database versions not stated): ExAC 0.00001; gnomAD 0.00001.
gnomAD v4.1: 24 of 1,613,446 alleles (0.0015%); highest among the groups gnomAD compares: Non-Finnish European, 0.0019%; no homozygotes.

Submissions (2):

Labcorp Genetics (formerly Invitae), Labcorp
Classification: Likely benign. Last evaluated: 2024-02-20. Review status: criteria provided, single submitter. Criteria: Invitae Variant Classification Sherloc (09022015). Collection method: clinical testing. Allele origin: germline.

CeGaT Center for Human Genetics Tuebingen
Classification: Likely benign. Last evaluated: 2022-07-01. Review status: criteria provided, single submitter. Criteria: CeGaT Center For Human Genetics Tuebingen Variant Classification Criteria Version 2. Collection method: clinical testing. Allele origin: germline. Affected: yes. Observed: 1 variant allele.
Comment: NOTCH3: BP4, BP7